The following is an entry in ClinVar:

NM_001271.4(CHD2):c.958A>T (p.Thr320Ser)

Gene: CHD2 (chromodomain helicase DNA binding protein 2; plus strand). Cytogenetic location: 15q26.1.
Variant type: single nucleotide variant.
Coding change: c.958A>T on transcript NM_001271.4 (MANE Select); coding-DNA position 958, A replaced by T.
Protein change: p.Thr320Ser; replaces threonine 320 with serine.
Molecular consequence: missense variant.
Genome position (GRCh38, 1-based): chr15:92,942,974, A>T. VCF-style: chr15-92942974-A-T. GRCh37 (hg19) VCF-style: chr15-93486204-A-T.
Other names: c.958A>T, p.Thr320Ser (NM_001042572.3); short protein forms T320S.
Identifiers: ClinVar variation 4530877 (VCV004530877.1).

ClinVar aggregate classification (germline): Uncertain significance (1 of 4 stars; one submission).

Submission:

GeneDx
Classification: Uncertain significance. Last evaluated: 2025-05-12. Review status: criteria provided, single submitter. Criteria: GeneDx Variant Classification Process June 2021. Collection method: clinical testing. Allele origin: germline. Affected: yes.
Comment: Not observed at significant frequency in large population cohorts (gnomAD); In silico analysis supports that this missense variant has a deleterious effect on protein structure/function; Has not been previously published as pathogenic or benign to our knowledge